The following is an entry in ClinVar:

NM_001042492.3(NF1):c.84_88del (p.Gln28fs)

Gene: NF1 (neurofibromin 1; plus strand). Cytogenetic location: 17q11.2.
Variant type: Deletion.
Coding change: c.84_88del on transcript NM_001042492.3 (MANE Select); coding-DNA positions 84 to 88, 5 bases deleted (GAACA; older notation c.84_88delGAACA).
Protein change: p.Gln28fs; shifts the reading frame from glutamine 28.
Molecular consequence: frameshift variant.
Genome position (GRCh38, 1-based): chr17:31,156,006-31,156,010, GAACA deleted; deleting any 5 consecutive bases within chr17:31,156,004-31,156,010 gives the same sequence; the c. name uses the placement nearest the transcript's 3' end. VCF-style (leftmost placement, unchanged base first): chr17-31156003-GCAGAA-G. GRCh37 (hg19) VCF-style: chr17-29483021-GCAGAA-G.
Other names: c.84_88del, p.Gln28fs (NM_000267.4, NM_001128147.3); short protein forms Q28fs.
Identifiers: ClinVar variation 4716472 (VCV004716472.1).
Genomic context (GRCh38, chr17:31,156,003, plus strand): 5'-GATAAGCTGTTAACGTGTTTTTTTTTTCTTTTTTTTTCAGCTTCCAATAAAAACAGGACA[GCAGAA>G]CACACATACCAAAGTCAGTACTGAGCACAACAAGGAATGTCTAATCAATATTTCCAAATA-3'

ClinVar aggregate classification (germline): Pathogenic (1 of 4 stars; one submission).

Conditions:
Neurofibromatosis, type 1 (NF1). Also called: NEUROFIBROMATOSIS, TYPE I, SOMATIC; VON RECKLINGHAUSEN DISEASE; Peripheral type neurofibromatosis; Neurofibromatosis, type I. Identifiers: Orphanet 636, MedGen C0027831, MONDO:0018975, OMIM 162200. Disease mechanism: loss of function.

Submission:

Labcorp Genetics (formerly Invitae), Labcorp
Classification: Pathogenic for Neurofibromatosis, type 1. Last evaluated: 2025-04-03. Review status: criteria provided, single submitter. Criteria: Invitae Variant Classification Sherloc (09022015). Collection method: clinical testing. Allele origin: germline.
Comment: This sequence change creates a premature translational stop signal (p.Gln28Hisfs*8) in the NF1 gene. It is expected to result in an absent or disrupted protein product. Loss-of-function variants in NF1 are known to be pathogenic (PMID: 10712197, 23913538). This variant is not present in population databases (gnomAD no frequency). This variant has not been reported in the literature in individuals affected with NF1-related conditions. For these reasons, this variant has been classified as Pathogenic.

Literature cited by the submitters: PubMed 10712197; PubMed 23913538.